The following is an entry in ClinVar:

NM_000059.4(BRCA2):c.4499G>A (p.Gly1500Glu)

Gene: BRCA2 (BRCA2 DNA repair associated; plus strand). Cytogenetic location: 13q13.1.
Variant type: single nucleotide variant.
Coding change: c.4499G>A on transcript NM_000059.4 (MANE Select); coding-DNA position 4499, G replaced by A.
Protein change: p.Gly1500Glu; replaces glycine 1500 with glutamic acid.
Molecular consequence: missense variant.
Genome position (GRCh38, 1-based): chr13:32,338,854, G>A. VCF-style: chr13-32338854-G-A. GRCh37 (hg19) VCF-style: chr13-32912991-G-A.
Other names: short protein forms G1500E.
Identifiers: ClinVar variation 846250 (VCV000846250.11), dbSNP rs2072505831, ClinGen allele CA387781575.

ClinVar aggregate classification (germline): Conflicting classifications of pathogenicity. Review status: criteria provided, conflicting classifications (1 of 4 stars). 2 submissions from 2 submitters: Uncertain significance (1); Likely benign (1). Last evaluated 2023-03-23.

Conditions:
Hereditary breast ovarian cancer syndrome. Also called: Breast and ovarian cancer; Hereditary breast and ovarian cancer; Hereditary breast and/or ovarian cancer syndrome; BRCA1- and BRCA2-Associated Hereditary Breast and Ovarian Cancer; Hereditary breast and ovarian cancer syndrome; Hereditary breast and ovarian cancer syndrome (HBOC). Identifiers: Orphanet 145, MedGen C0677776, MeSH D061325, MONDO:0003582. Disease mechanism: loss of function.
Hereditary cancer-predisposing syndrome. Also called: Tumor predisposition; Hereditary neoplastic syndrome; Neoplastic Syndromes, Hereditary; Hereditary Cancer Syndrome. Identifiers: Orphanet 140162, MedGen C0027672, MeSH D009386, MONDO:0015356.

Submissions (2):

University of Washington Department of Laboratory Medicine, University of Washington
Classification: Likely benign for Hereditary cancer-predisposing syndrome. Last evaluated: 2023-03-23. Review status: criteria provided, single submitter. Criteria: Dines et al. (Genet Med. 2020). Collection method: curation. Allele origin: germline.
Comment: Missense variant in a coldspot region where missense variants are very unlikely to be pathogenic (PMID:31911673).

BRCA2 exon 11 coldspot. Reclassification based on statistical prior probability.

Labcorp Genetics (formerly Invitae), Labcorp
Classification: Uncertain significance for Hereditary breast ovarian cancer syndrome. Last evaluated: 2019-11-27. Review status: criteria provided, single submitter. Criteria: Invitae Variant Classification Sherloc (09022015). Collection method: clinical testing. Allele origin: germline.
Comment: In summary, the available evidence is currently insufficient to determine the role of this variant in disease. Therefore, it has been classified as a Variant of Uncertain Significance. Algorithms developed to predict the effect of missense changes on protein structure and function output the following: SIFT: "Tolerated"; PolyPhen-2: "Benign"; Align-GVGD: "Class C0". The glutamic acid amino acid residue is found in multiple mammalian species, suggesting that this missense change does not adversely affect protein function. These predictions have not been confirmed by published functional studies and their clinical significance is uncertain. This variant has not been reported in the literature in individuals with BRCA2-related conditions. This variant is not present in population databases (ExAC no frequency). This sequence change replaces glycine with glutamic acid at codon 1500 of the BRCA2 protein (p.Gly1500Glu). The glycine residue is weakly conserved and there is a moderate physicochemical difference between glycine and glutamic acid.